The following is an entry in ClinVar:

ClinVar aggregate classification (germline): Uncertain significance. Review status: criteria provided, multiple submitters, no conflicts (2 of 4 stars). 2 submissions from 2 submitters: Uncertain significance (2). Last evaluated 2023-10-14.

Allele frequency attached by ClinVar (database versions not stated): TOPMed 0.00002; gnomAD 0.00003; gnomAD exomes 0.00003 and 0.00006; ExAC 0.00007; 1000 Genomes Project 30x 0.00031; 1000 Genomes Project 0.00040.
gnomAD v4.1: 53 of 1,613,830 alleles (0.0033%); highest among the groups gnomAD compares: South Asian, 0.044%; 1 homozygote.

Submissions (2):

GeneDx
Classification: Uncertain significance. Last evaluated: 2023-10-14. Review status: criteria provided, single submitter. Criteria: GeneDx Variant Classification Process June 2021. Collection method: clinical testing. Allele origin: germline. Affected: yes.
Comment: In silico analysis supports that this missense variant does not alter protein structure/function; Has not been previously published as pathogenic or benign to our knowledge

Labcorp Genetics (formerly Invitae), Labcorp
Classification: Uncertain significance. Last evaluated: 2022-04-29. Review status: criteria provided, single submitter. Criteria: Invitae Variant Classification Sherloc (09022015). Collection method: clinical testing. Allele origin: germline.
Comment: This sequence change replaces glutamic acid, which is acidic and polar, with lysine, which is basic and polar, at codon 2653 of the FAT4 protein (p.Glu2653Lys). This variant is present in population databases (rs556536853, gnomAD 0.05%). This variant has not been reported in the literature in individuals affected with FAT4-related conditions. Advanced modeling of protein sequence and biophysical properties (such as structural, functional, and spatial information, amino acid conservation, physicochemical variation, residue mobility, and thermodynamic stability) performed at Invitae indicates that this missense variant is not expected to disrupt FAT4 protein function. In summary, the available evidence is currently insufficient to determine the role of this variant in disease. Therefore, it has been classified as a Variant of Uncertain Significance.

NM_001291303.3(FAT4):c.7963G>A (p.Glu2655Lys)

Gene: FAT4 (FAT atypical cadherin 4; plus strand). Cytogenetic location: 4q28.1.
Variant type: single nucleotide variant.
Coding change: c.7963G>A on transcript NM_001291303.3 (MANE Select); coding-DNA position 7963, G replaced by A.
Protein change: p.Glu2655Lys; replaces glutamic acid 2655 with lysine.
Molecular consequence: missense variant.
Genome position (GRCh38, 1-based): chr4:125,448,973, G>A. VCF-style: chr4-125448973-G-A. GRCh37 (hg19) VCF-style: chr4-126370128-G-A.
Other names: c.7963G>A, p.Glu2655Lys (NM_001291285.3); c.7957G>A, p.Glu2653Lys (NM_024582.6); c.7957G>A (NM_024582.4); short protein forms E2655K, E2653K.
Identifiers: ClinVar variation 1417243 (VCV001417243.6), dbSNP rs556536853, ClinGen allele CA3073289.